The following is an entry in ClinVar:

NM_024312.5(GNPTAB):c.142del (p.Gln48fs)

Gene: GNPTAB (N-acetylglucosamine-1-phosphate transferase subunits alpha and beta; minus strand). Cytogenetic location: 12q23.2.
Variant type: Deletion.
Coding change: c.142del on transcript NM_024312.5 (MANE Select); coding-DNA position 142, one base deleted (C; older notation c.142delC).
Protein change: p.Gln48fs; shifts the reading frame from glutamine 48.
Molecular consequence: frameshift variant.
Genome position (GRCh38, 1-based): chr12:101,796,738, G deleted on the plus strand (C on the coding strand, the reverse complement: GNPTAB is on the minus strand). VCF-style (leftmost placement, unchanged base first): chr12-101796737-TG-T. GRCh37 (hg19) VCF-style: chr12-102190515-TG-T.
Other names: short protein forms Q48fs.
Identifiers: ClinVar variation 2633980 (VCV002633980.1), dbSNP rs2547975422, ClinGen allele CA2695199164.

ClinVar aggregate classification (germline): Likely pathogenic (1 of 4 stars; one submission).

Conditions:
GNPTAB-Related Disorders. Also called: GNPTAB-related disorder; GNPTAB-related condition. Identifiers: MedGen CN381523.

Submission:

PreventionGenetics, part of Exact Sciences
Classification: Likely pathogenic for GNPTAB-related condition. Last evaluated: 2023-10-02. Review status: criteria provided, single submitter. Criteria: ACMG Guidelines, 2015. Collection method: clinical testing. Allele origin: germline.
Comment: The GNPTAB c.142delC variant is predicted to result in a frameshift and premature protein termination (p.Gln48Asnfs*35). To our knowledge, this variant has not been reported in the literature or in a large population database, indicating this variant is rare. Frameshift variants in GNPTAB are expected to be pathogenic. This variant is interpreted as likely pathogenic.